The following is an entry in ClinVar:

ClinVar aggregate classification (germline): Uncertain significance (1 of 4 stars; one submission).

Submission:

GeneDx
Classification: Uncertain significance. Last evaluated: 2022-09-21. Review status: criteria provided, single submitter. Criteria: GeneDx Variant Classification Process June 2021. Collection method: clinical testing. Allele origin: germline. Affected: yes.
Comment: Not observed at significant frequency in large population cohorts (gnomAD); In silico analysis supports that this missense variant has a deleterious effect on protein structure/function; Has not been previously published as pathogenic or benign to our knowledge

NM_031263.4(HNRNPK):c.824C>T (p.Pro275Leu)

Gene: HNRNPK (heterogeneous nuclear ribonucleoprotein K; minus strand). Cytogenetic location: 9q21.32.
Variant type: single nucleotide variant.
Coding change: c.824C>T on transcript NM_031263.4 (MANE Select); coding-DNA position 824, C replaced by T.
Protein change: p.Pro275Leu; replaces proline 275 with leucine.
Molecular consequence: missense variant.
Genome position (GRCh38, 1-based): chr9:83,972,011, G>A on the plus strand (C>T on the coding strand, the complement: HNRNPK is on the minus strand). VCF-style: chr9-83972011-G-A. GRCh37 (hg19) VCF-style: chr9-86586926-G-A.
Other names: c.752C>T, p.Pro251Leu (NM_001318186.2, NM_001318187.2); c.824C>T, p.Pro275Leu (NM_001318188.2, NM_002140.5, NM_031262.4); short protein forms P251L, P275L.
Identifiers: ClinVar variation 2446098 (VCV002446098.1), dbSNP rs2491970249, ClinGen allele CA373924034.
Genomic context (GRCh38, chr9:83,972,011, plus strand): 5'-CCGGGAGGAGGGGGAGGTGGTCCTCGACGAGGGCTCATATCATCATAATCTCTTCTAGAT[G>A]GAGGCATGGGACGCCCACCCCGACCAGGAGGCATTCTGTCAAAACCACCTCTTCCCCGCA-3'
Protein context (NP_112553.1, residues 265-285): PPGRGGRPMP[Pro275Leu]SRRDYDDMSP